The following is an entry in ClinVar:

ClinVar aggregate classification (germline): Conflicting classifications of pathogenicity. Review status: criteria provided, conflicting classifications (1 of 4 stars). 8 submissions from 8 submitters: Uncertain significance (1); Likely benign (6). 1 of the submissions does not count toward it. Last evaluated 2026-02-01.

Conditions:
Autosomal recessive limb-girdle muscular dystrophy type 2A (LGMDR1). Also called: LEYDEN-MOEBIUS MUSCULAR DYSTROPHY; MUSCULAR DYSTROPHY, PELVOFEMORAL; Limb-girdle muscular dystrophy, type 2A; Calpainopathy; Muscular dystrophy, limb-girdle, type 2A, Amish. Identifiers: Orphanet 267, MedGen C1869123, MONDO:0009675, OMIM 253600. Disease mechanism: loss of function.

Allele frequency attached by ClinVar (database versions not stated): gnomAD 0.00018 and 0.00020; 1000 Genomes Project 0.00020; gnomAD exomes 0.00020; ExAC 0.00021; TOPMed 0.00021; ESP Exome Variant Server 0.00023; 1000 Genomes Project 30x 0.00047.
gnomAD v4.1: 321 of 1,614,166 alleles (0.02%); highest among the groups gnomAD compares: Middle Eastern, 0.13%; no homozygotes.

Submissions (8):

Labcorp Genetics (formerly Invitae), Labcorp
Classification: Likely benign for Autosomal recessive limb-girdle muscular dystrophy type 2A. Last evaluated: 2026-02-01. Review status: criteria provided, single submitter. Criteria: Invitae Variant Classification Sherloc (09022015). Collection method: clinical testing. Allele origin: germline.

Blueprint Genetics
Classification: Likely benign. Last evaluated: 2024-09-12. Review status: criteria provided, single submitter. Criteria: ACMG Guidelines, 2015. Collection method: clinical testing. Allele origin: germline.

CeGaT Center for Human Genetics Tuebingen
Classification: Likely benign. Last evaluated: 2023-08-01. Review status: criteria provided, single submitter. Criteria: CeGaT Center For Human Genetics Tuebingen Variant Classification Criteria Version 2. Collection method: clinical testing. Allele origin: germline. Affected: yes. Observed: 3 variant alleles.
Comment: CAPN3: BP4, BP7

Genome-Nilou Lab
Classification: Likely benign for Autosomal recessive limb-girdle muscular dystrophy type 2A. Last evaluated: 2021-05-18. Review status: criteria provided, single submitter. Criteria: ACMG Guidelines, 2015. Collection method: clinical testing. Allele origin: germline. Affected: no.

Eurofins Ntd Llc (ga)
Classification: Uncertain significance. Last evaluated: 2018-05-17. Review status: criteria provided, single submitter. Criteria: EGL ClinVar v180209 classification definitions. Collection method: clinical testing. Allele origin: germline. Observed: 5 variant alleles, 5 heterozygotes.

GeneDx
Classification: Likely benign. Last evaluated: 2018-02-21. Review status: criteria provided, single submitter. Criteria: GeneDx Variant Classification (06012015). Collection method: clinical testing. Allele origin: germline. Affected: yes.
Comment: This variant is considered likely benign or benign based on one or more of the following criteria: it is a conservative change, it occurs at a poorly conserved position in the protein, it is predicted to be benign by multiple in silico algorithms, and/or has population frequency not consistent with disease.

PreventionGenetics, part of Exact Sciences
Classification: Likely benign. Review status: criteria provided, single submitter. Criteria: ACMG Guidelines, 2015. Collection method: clinical testing. Allele origin: germline.

Natera, Inc.
Classification: Likely benign for Limb-girdle muscular dystrophy type 2A. Last evaluated: 2020-02-10. Review status: no assertion criteria provided. Collection method: clinical testing. Allele origin: germline. Not counted in ClinVar's aggregate classification.

NM_000070.3(CAPN3):c.1668C>T (p.Ile556=)

Gene: CAPN3 (calpain 3; plus strand). Cytogenetic location: 15q15.1.
Variant type: single nucleotide variant.
Coding change: c.1668C>T on transcript NM_000070.3 (MANE Select); coding-DNA position 1668, C replaced by T.
Protein change: p.Ile556=; no amino-acid change (isoleucine 556 retained).
Molecular consequence: synonymous variant.
Genome position (GRCh38, 1-based): chr15:42,402,925, C>T. VCF-style: chr15-42402925-C-T. GRCh37 (hg19) VCF-style: chr15-42695123-C-T.
Other names: c.1668C>T, p.Ile556= (NM_024344.2); c.1524C>T, p.Ile508= (NM_173087.2); c.132C>T, p.Ile44= (NM_173088.2).
Identifiers: ClinVar variation 254862 (VCV000254862.63), dbSNP rs199884116, ClinGen allele CA7511463.